The following is an entry in ClinVar:

NM_033238.3(PML):c.1710+1705A>G

Gene: PML (PML nuclear body scaffold; plus strand). Cytogenetic location: 15q24.1.
Variant type: single nucleotide variant.
Coding change: c.1710+1705A>G on transcript NM_033238.3 (MANE Select); 1705 bases into the intron after coding-DNA position 1710, A replaced by G.
Molecular consequence: intron variant. On other transcripts: 3 prime UTR variant (5).
Genome position (GRCh38, 1-based): chr15:74,036,235, A>G. VCF-style: chr15-74036235-A-G. GRCh37 (hg19) VCF-style: chr15-74328576-A-G.
Other names: c.*284A>G (NM_033239.3, NM_033250.3); c.*1579A>G (NM_033240.3); c.*1099A>G (NM_033244.4); c.*175A>G (NM_033247.3); c.1710+1705A>G (NM_002675.4); c.1566+1705A>G (NM_033249.3); c.*35+1705A>G (NM_033246.3).
Identifiers: ClinVar variation 1288742 (VCV001288742.2), dbSNP rs9479, ClinGen allele CA14148471.

ClinVar aggregate classification (germline): Benign. Review status: criteria provided, multiple submitters, no conflicts (2 of 4 stars). 2 submissions from 2 submitters: Benign (2). Last evaluated 2020-07-15.

Allele frequency attached by ClinVar (database versions not stated): TOPMed 0.49665; gnomAD exomes 0.50079; gnomAD 0.50290 and 0.50620; 1000 Genomes Project 30x 0.53123; 1000 Genomes Project 0.53494.
gnomAD v4.1: 765,387 of 1,526,804 alleles (50%); highest among the groups gnomAD compares: East Asian, 65%; 192,950 homozygotes.

Submissions (2):

GeneDx
Classification: Benign. Last evaluated: 2020-07-15. Review status: criteria provided, single submitter. Criteria: GeneDx Variant Classification Process June 2021. Collection method: clinical testing. Allele origin: germline. Affected: yes.
Comment: This variant is associated with the following publications: (PMID: 24886876)

Breakthrough Genomics
Classification: Benign. Review status: criteria provided, single submitter. Criteria: ACMG Guidelines, 2015. Collection method: not provided. Allele origin: germline. Inheritance: Unknown mechanism. Affected: yes.